The following is an entry in ClinVar:

ClinVar aggregate classification (germline): Uncertain significance (1 of 4 stars; one submission).

Conditions:
Cardiovascular phenotype. Identifiers: MedGen CN230736.

Submission:

Ambry Genetics
Classification: Uncertain significance for Cardiovascular phenotype. Last evaluated: 2025-03-05. Review status: criteria provided, single submitter. Criteria: Ambry Variant Classification Scheme 2023. Collection method: clinical testing. Allele origin: germline.
Comment: The p.W731* variant (also known as c.2193G>A), located in coding exon 16 of the ABCC9 gene, results from a G to A substitution at nucleotide position 2193. This changes the amino acid from a tryptophan to a stop codon within coding exon 16. This alteration is expected to result in loss of function by premature protein truncation or nonsense-mediated mRNA decay. Although biallelic loss of function of ABCC9 has been associated with autosomal recessive ABCC9-related neurodevelopmental myopathy syndrome, haploinsufficiency of ABCC9 has not been established as a mechanism of disease for autosomal dominant ABCC9-related Cantu syndrome. Based on the supporting evidence, this variant is expected to be causative of autosomal recessive ABCC9-related neurodevelopmental myopathy syndrome when present along with a second pathogenic variant on the other allele; however, its clinical significance for autosomal dominant ABCC9-related Cantu syndrome is unclear.

NM_020297.4(ABCC9):c.2193G>A (p.Trp731Ter)

Gene: ABCC9 (ATP binding cassette subfamily C member 9; minus strand). Cytogenetic location: 12p12.1.
Variant type: single nucleotide variant.
Coding change: c.2193G>A on transcript NM_020297.4 (MANE Select); coding-DNA position 2193, G replaced by A.
Protein change: p.Trp731Ter; replaces tryptophan 731 with a stop codon.
Molecular consequence: nonsense.
Genome position (GRCh38, 1-based): chr12:21,872,630, C>T on the plus strand (G>A on the coding strand, the complement: ABCC9 is on the minus strand). VCF-style: chr12-21872630-C-T. GRCh37 (hg19) VCF-style: chr12-22025564-C-T.
Other names: c.2193G>A, p.Trp731Ter (NM_001377273.1, NM_005691.4); c.1329G>A, p.Trp443Ter (NM_001377274.1); short protein forms W443*, W731*.
Identifiers: ClinVar variation 3880287 (VCV003880287.1).